The following is an entry in ClinVar:

NM_032383.5(HPS3):c.971-2A>C

Gene: HPS3 (HPS3 biogenesis of lysosomal organelles complex 2 subunit 1; plus strand). Cytogenetic location: 3q24.
Variant type: single nucleotide variant.
Coding change: c.971-2A>C on transcript NM_032383.5 (MANE Select); the canonical splice acceptor site of the intron before coding-DNA position 971, A replaced by C.
Molecular consequence: splice acceptor variant.
Genome position (GRCh38, 1-based): chr3:149,145,352, A>C. VCF-style: chr3-149145352-A-C. GRCh37 (hg19) VCF-style: chr3-148863139-A-C.
Other names: c.476-2A>C (NM_001308258.2).
Identifiers: ClinVar variation 2819098 (VCV002819098.3), dbSNP rs2473081587, ClinGen allele CA354915290.

ClinVar aggregate classification (germline): Likely pathogenic (1 of 4 stars; one submission).

Submission:

Labcorp Genetics (formerly Invitae), Labcorp
Classification: Likely pathogenic. Last evaluated: 2022-12-07. Review status: criteria provided, single submitter. Criteria: Invitae Variant Classification Sherloc (09022015). Collection method: clinical testing. Allele origin: germline.
Comment: Algorithms developed to predict the effect of sequence changes on RNA splicing suggest that this variant may disrupt the consensus splice site. This variant has not been reported in the literature in individuals affected with HPS3-related conditions. This variant is not present in population databases (gnomAD no frequency). This sequence change affects an acceptor splice site in intron 4 of the HPS3 gene. It is expected to disrupt RNA splicing. Variants that disrupt the donor or acceptor splice site typically lead to a loss of protein function (PMID: 16199547), and loss-of-function variants in HPS3 are known to be pathogenic (PMID: 11590544). In summary, the currently available evidence indicates that the variant is pathogenic, but additional data are needed to prove that conclusively. Therefore, this variant has been classified as Likely Pathogenic.

Literature cited by the submitters: PubMed 16199547; PubMed 11590544.